The following is an entry in ClinVar:

NM_000051.4(ATM):c.2484del (p.Lys828fs)

Gene: ATM (ATM serine/threonine kinase; plus strand). Cytogenetic location: 11q22.3.
Variant type: Deletion.
Coding change: c.2484del on transcript NM_000051.4 (MANE Select); coding-DNA position 2484, one base deleted (G; older notation c.2484delG).
Protein change: p.Lys828fs; shifts the reading frame from lysine 828.
Molecular consequence: frameshift variant.
Genome position (GRCh38, 1-based): chr11:108,267,188, G deleted. VCF-style (leftmost placement, unchanged base first): chr11-108267187-AG-A. GRCh37 (hg19) VCF-style: chr11-108137914-AG-A.
Other names: c.2484del, p.Lys828fs (NM_001351834.2); short protein forms K828fs.
Identifiers: ClinVar variation 2096861 (VCV002096861.4), dbSNP rs2497590082, ClinGen allele CA2580082956.

ClinVar aggregate classification (germline): Pathogenic (1 of 4 stars; one submission).

Conditions:
Ataxia-telangiectasia syndrome (AT). Also called: Ataxia-telangiectasia, complementation group D; AT, COMPLEMENTATION GROUP C; ATAXIA-TELANGIECTASIA, COMPLEMENTATION GROUP A; ATAXIA-TELANGIECTASIA, FRESNO VARIANT; Ataxia telangiectasia (A-T); Ataxia-telangiectasia. Identifiers: Orphanet 100, MedGen C0004135, MONDO:0008840, OMIM 208900.

Submission:

Labcorp Genetics (formerly Invitae), Labcorp
Classification: Pathogenic for Ataxia-telangiectasia syndrome. Last evaluated: 2022-02-13. Review status: criteria provided, single submitter. Criteria: Invitae Variant Classification Sherloc (09022015). Collection method: clinical testing. Allele origin: germline.
Comment: For these reasons, this variant has been classified as Pathogenic. This variant has not been reported in the literature in individuals affected with ATM-related conditions. This variant is not present in population databases (gnomAD no frequency). This sequence change creates a premature translational stop signal (p.Lys828Asnfs*8) in the ATM gene. It is expected to result in an absent or disrupted protein product. Loss-of-function variants in ATM are known to be pathogenic (PMID: 23807571, 25614872).

Literature cited by the submitters: PubMed 23807571; PubMed 25614872.